The following is an entry in ClinVar:

ClinVar aggregate classification (germline): Uncertain significance. Review status: criteria provided, multiple submitters, no conflicts (2 of 4 stars). 2 submissions from 2 submitters: Uncertain significance (2). Last evaluated 2024-02-16.

Conditions:
Warburg micro syndrome 2 (WARBM2). Also called: MICRO SYNDROME 2. Identifiers: Orphanet 2510, MedGen C3280214, MONDO:0013641, OMIM 614225.
Martsolf syndrome (MARTS). Also called: Congenital cataract with intellectual disability and hypogonadotropic hypogonadism syndrome. Identifiers: Orphanet 1387, MedGen C0796037, MONDO:0023910.

Allele frequency attached by ClinVar (database versions not stated): gnomAD 0.00003; TOPMed 0.00003; ESP Exome Variant Server 0.00008.

Submissions (2):

GeneDx
Classification: Uncertain significance. Last evaluated: 2024-02-16. Review status: criteria provided, single submitter. Criteria: GeneDx Variant Classification Process June 2021. Collection method: clinical testing. Allele origin: germline. Affected: yes.
Comment: In silico analysis supports that this missense variant has a deleterious effect on protein structure/function; Has not been previously published as pathogenic or benign to our knowledge

Labcorp Genetics (formerly Invitae), Labcorp
Classification: Uncertain significance for Martsolf syndrome; Warburg micro syndrome 2. Last evaluated: 2021-10-06. Review status: criteria provided, single submitter. Criteria: Invitae Variant Classification Sherloc (09022015). Collection method: clinical testing. Allele origin: germline.
Comment: In summary, the available evidence is currently insufficient to determine the role of this variant in disease. Therefore, it has been classified as a Variant of Uncertain Significance. Algorithms developed to predict the effect of missense changes on protein structure and function are either unavailable or do not agree on the potential impact of this missense change (SIFT: "Deleterious"; PolyPhen-2: "Probably Damaging"; Align-GVGD: "Class C0"). This variant has not been reported in the literature in individuals affected with RAB3GAP2-related conditions. This variant is present in population databases (rs140312751, ExAC 0.003%). This sequence change replaces threonine with isoleucine at codon 169 of the RAB3GAP2 protein (p.Thr169Ile). The threonine residue is highly conserved and there is a moderate physicochemical difference between threonine and isoleucine.

NM_012414.4(RAB3GAP2):c.506C>T (p.Thr169Ile)

Gene: RAB3GAP2 (RAB3 GTPase activating non-catalytic protein subunit 2; minus strand). Cytogenetic location: 1q41.
Variant type: single nucleotide variant.
Coding change: c.506C>T on transcript NM_012414.4 (MANE Select); coding-DNA position 506, C replaced by T.
Protein change: p.Thr169Ile; replaces threonine 169 with isoleucine.
Molecular consequence: missense variant.
Genome position (GRCh38, 1-based): chr1:220,210,805, G>A on the plus strand (C>T on the coding strand, the complement: RAB3GAP2 is on the minus strand). VCF-style: chr1-220210805-G-A. GRCh37 (hg19) VCF-style: chr1-220384147-G-A.
Other names: c.506C>T (NM_012414.3); short protein forms T169I.
Identifiers: ClinVar variation 1513921 (VCV001513921.7), dbSNP rs140312751, ClinGen allele CA1403002.